The following is an entry in ClinVar:

ClinVar aggregate classification (germline): Uncertain significance. Review status: criteria provided, multiple submitters, no conflicts (2 of 4 stars). 2 submissions from 2 submitters: Uncertain significance (2). Last evaluated 2024-11-09.

Allele frequency attached by ClinVar (database versions not stated): gnomAD exomes 0.00001; ExAC 0.00002; gnomAD 0.00012; TOPMed 0.00012; ESP Exome Variant Server 0.00015; 1000 Genomes Project 30x 0.00016; 1000 Genomes Project 0.00020.
gnomAD v4.1: 22 of 1,613,928 alleles (0.0014%); highest among the groups gnomAD compares: African/African-American, 0.029%; no homozygotes.

Submissions (2):

Ambry Genetics
Classification: Uncertain significance. Last evaluated: 2024-11-09. Review status: criteria provided, single submitter. Criteria: Ambry Variant Classification Scheme 2023. Collection method: clinical testing. Allele origin: germline.

Labcorp Genetics (formerly Invitae), Labcorp
Classification: Uncertain significance. Last evaluated: 2022-11-12. Review status: criteria provided, single submitter. Criteria: Invitae Variant Classification Sherloc (09022015). Collection method: clinical testing. Allele origin: germline.
Comment: In summary, the available evidence is currently insufficient to determine the role of this variant in disease. Therefore, it has been classified as a Variant of Uncertain Significance. Algorithms developed to predict the effect of missense changes on protein structure and function are either unavailable or do not agree on the potential impact of this missense change (SIFT: "Tolerated"; PolyPhen-2: "Possibly Damaging"; Align-GVGD: "Class C0"). This variant has not been reported in the literature in individuals affected with SHPK-related conditions. This variant is present in population databases (rs370203316, gnomAD 0.03%). This sequence change replaces histidine, which is basic and polar, with arginine, which is basic and polar, at codon 377 of the SHPK protein (p.His377Arg).

NM_013276.4(SHPK):c.1130A>G (p.His377Arg)

Gene: SHPK (sedoheptulokinase; minus strand). Cytogenetic location: 17p13.2.
Variant type: single nucleotide variant.
Coding change: c.1130A>G on transcript NM_013276.4 (MANE Select); coding-DNA position 1130, A replaced by G.
Protein change: p.His377Arg; replaces histidine 377 with arginine.
Molecular consequence: missense variant.
Genome position (GRCh38, 1-based): chr17:3,610,867, T>C on the plus strand (A>G on the coding strand, the complement: SHPK is on the minus strand). VCF-style: chr17-3610867-T-C. GRCh37 (hg19) VCF-style: chr17-3514161-T-C.
Other names: short protein forms H377R.
Identifiers: ClinVar variation 2204956 (VCV002204956.6), dbSNP rs370203316, ClinGen allele CA8291098.